The following is an entry in ClinVar:

NM_005236.3(ERCC4):c.1976G>A (p.Gly659Asp)

Gene: ERCC4 (ERCC excision repair 4, endonuclease catalytic subunit; plus strand). Cytogenetic location: 16p13.12.
Variant type: single nucleotide variant.
Coding change: c.1976G>A on transcript NM_005236.3 (MANE Select); coding-DNA position 1976, G replaced by A.
Protein change: p.Gly659Asp; replaces glycine 659 with aspartic acid.
Molecular consequence: missense variant.
Genome position (GRCh38, 1-based): chr16:13,944,794, G>A. VCF-style: chr16-13944794-G-A. GRCh37 (hg19) VCF-style: chr16-14038651-G-A.
Other names: short protein forms G659D.
Identifiers: ClinVar variation 1319884 (VCV001319884.7), dbSNP rs756811179, ClinGen allele CA7910625.

ClinVar aggregate classification (germline): Uncertain significance. Review status: criteria provided, multiple submitters, no conflicts (2 of 4 stars). 3 submissions from 3 submitters: Uncertain significance (3). Last evaluated 2024-11-11.

Conditions:
Fanconi anemia complementation group Q. Identifiers: Orphanet 84, MedGen C3808988, MONDO:0014108, OMIM 615272.
Xeroderma pigmentosum, group F (XPF). Also called: ERCC4-Related Xeroderma Pigmentosum; XERODERMA PIGMENTOSUM VI; XP, GROUP F; XERODERMA PIGMENTOSUM, COMPLEMENTATION GROUP F; XERODERMA PIGMENTOSUM, TYPE F; Xeroderma pigmentosum, type 6. Identifiers: MedGen C0268140, MONDO:0010215, OMIM 278760.
Cockayne syndrome. Identifiers: Orphanet 191, MedGen C0009207, MONDO:0016006.
Inborn genetic diseases. Identifiers: MedGen C0950123, MeSH D030342.

Allele frequency attached by ClinVar (database versions not stated): gnomAD 0.00001; TOPMed 0.00001; ExAC 0.00002; gnomAD exomes 0.00002.
gnomAD v4.1: 21 of 1,613,756 alleles (0.0013%); highest among the groups gnomAD compares: Non-Finnish European, 0.0018%; no homozygotes.

Submissions (3):

Ambry Genetics
Classification: Uncertain significance for Inborn genetic diseases. Last evaluated: 2024-11-11. Review status: criteria provided, single submitter. Criteria: Ambry Variant Classification Scheme 2023. Collection method: clinical testing. Allele origin: germline.

Labcorp Genetics (formerly Invitae), Labcorp
Classification: Uncertain significance for Fanconi anemia complementation group Q; Xeroderma pigmentosum, group F; Cockayne syndrome. Last evaluated: 2024-02-17. Review status: criteria provided, single submitter. Criteria: Invitae Variant Classification Sherloc (09022015). Collection method: clinical testing. Allele origin: germline.
Comment: This sequence change replaces glycine, which is neutral and non-polar, with aspartic acid, which is acidic and polar, at codon 659 of the ERCC4 protein (p.Gly659Asp). This variant is present in population databases (rs756811179, gnomAD 0.004%). This variant has not been reported in the literature in individuals affected with ERCC4-related conditions. ClinVar contains an entry for this variant (Variation ID: 1319884). An algorithm developed to predict the effect of missense changes on protein structure and function (PolyPhen-2) suggests that this variant is likely to be tolerated. In summary, the available evidence is currently insufficient to determine the role of this variant in disease. Therefore, it has been classified as a Variant of Uncertain Significance.

Institute for Clinical Genetics, University Hospital TU Dresden, University Hospital TU Dresden
Classification: Uncertain significance. Last evaluated: 2021-11-03. Review status: criteria provided, single submitter. Criteria: ACMG Guidelines, 2015. Collection method: clinical testing. Allele origin: germline.